The following is an entry in ClinVar:

ClinVar aggregate classification (germline): Uncertain significance (1 of 4 stars; one submission).

Conditions:
Cardiovascular phenotype. Identifiers: MedGen CN230736.

gnomAD v4.1: 1 of 1,420,894 alleles (0.00007%); highest among the groups gnomAD compares: Non-Finnish European, 0.000091%; no homozygotes.

Submission:

Ambry Genetics
Classification: Uncertain significance for Cardiovascular phenotype. Last evaluated: 2025-07-06. Review status: criteria provided, single submitter. Criteria: Ambry Variant Classification Scheme 2023. Collection method: clinical testing. Allele origin: germline.
Comment: The p.E209K variant (also known as c.625G>A), located in coding exon 2 of the JPH2 gene, results from a G to A substitution at nucleotide position 625. The glutamic acid at codon 209 is replaced by lysine, an amino acid with similar properties. This amino acid position is conserved. In addition, this alteration is predicted to be tolerated by in silico analysis. Based on the available evidence, the clinical significance of this variant remains unclear.

NM_020433.5(JPH2):c.625G>A (p.Glu209Lys)

Gene: JPH2 (junctophilin 2; minus strand). Cytogenetic location: 20q13.12.
Variant type: single nucleotide variant.
Coding change: c.625G>A on transcript NM_020433.5 (MANE Select); coding-DNA position 625, G replaced by A.
Protein change: p.Glu209Lys; replaces glutamic acid 209 with lysine.
Molecular consequence: missense variant.
Genome position (GRCh38, 1-based): chr20:44,160,162, C>T on the plus strand (G>A on the coding strand, the complement: JPH2 is on the minus strand). VCF-style: chr20-44160162-C-T. GRCh37 (hg19) VCF-style: chr20-42788802-C-T.
Other names: short protein forms E209K.
Identifiers: ClinVar variation 4089446 (VCV004089446.1).